The following is an entry in ClinVar:

ClinVar aggregate classification (germline): Uncertain significance (1 of 4 stars; one submission).

Submission:

Dasa
Classification: Uncertain significance. Last evaluated: 2025-01-13. Review status: criteria provided, single submitter. Criteria: DASA Assertion Criteria. Collection method: clinical testing. Allele origin: germline.
Comment: NM_021614.4(KCNN2):c.961T>G (p.Ser321Ala) is a missense variant that results in the substitution of serine with alanine. This variant is absent from population databases. Computational prediction algorithms are consistent with a benign effect. The currently available literature and clinical evidence are not sufficient to establish a definitive association between this variant and the reported condition. Therefore, this variant is classified as a variant of uncertain significance.

NM_021614.4(KCNN2):c.961T>G (p.Ser321Ala)

Gene: KCNN2 (potassium calcium-activated channel subfamily N member 2; plus strand). Cytogenetic location: 5q22.3.
Variant type: single nucleotide variant.
Coding change: c.961T>G on transcript NM_021614.4 (MANE Select); coding-DNA position 961, T replaced by G.
Protein change: p.Ser321Ala; replaces serine 321 with alanine.
Molecular consequence: missense variant. On other transcripts: non-coding transcript variant (1).
Genome position (GRCh38, 1-based): chr5:114,363,100, T>G. VCF-style: chr5-114363100-T-G. GRCh37 (hg19) VCF-style: chr5-113698797-T-G.
Other names: c.1159T>G, p.Ser387Ala (NM_001372233.1); short protein forms S321A, S387A.
Identifiers: ClinVar variation 4881091 (VCV004881091.2).